The following is an entry in ClinVar:

NM_004447.6(EPS8):c.1903G>A (p.Val635Ile)

Gene: EPS8 (EGFR pathway substrate 8, signaling adaptor; minus strand). Cytogenetic location: 12p12.3.
Variant type: single nucleotide variant.
Coding change: c.1903G>A on transcript NM_004447.6 (MANE Select); coding-DNA position 1903, G replaced by A.
Protein change: p.Val635Ile; replaces valine 635 with isoleucine.
Molecular consequence: missense variant.
Genome position (GRCh38, 1-based): chr12:15,631,583, C>T on the plus strand (G>A on the coding strand, the complement: EPS8 is on the minus strand). VCF-style: chr12-15631583-C-T. GRCh37 (hg19) VCF-style: chr12-15784517-C-T.
Other names: short protein forms V635I.
Identifiers: ClinVar variation 1214161 (VCV001214161.9), dbSNP rs145722981, ClinGen allele CA6467411.

ClinVar aggregate classification (germline): Conflicting classifications of pathogenicity. Review status: criteria provided, conflicting classifications (1 of 4 stars). 4 submissions from 4 submitters: Uncertain significance (2); Likely benign (2). Last evaluated 2025-04-29.

Conditions:
EPS8-related disorder. Also called: EPS8-related condition.
Inborn genetic diseases. Identifiers: MedGen C0950123, MeSH D030342.

Allele frequency attached by ClinVar (database versions not stated): gnomAD exomes 0.00004 and 0.00010; ExAC 0.00012; 1000 Genomes Project 30x 0.00016; 1000 Genomes Project 0.00020; ESP Exome Variant Server 0.00038; gnomAD 0.00042 and 0.00046; TOPMed 0.00043.
gnomAD v4.1: 127 of 1,613,926 alleles (0.0079%); highest among the groups gnomAD compares: African/African-American, 0.16%; 1 homozygote.

Submissions (4):

PreventionGenetics, part of Exact Sciences
Classification: Likely benign for EPS8-related condition. Last evaluated: 2025-04-29. Review status: criteria provided, single submitter. Criteria: ACMG Guidelines, 2015. Collection method: clinical testing. Allele origin: germline.
Comment: This variant is classified as likely benign based on ACMG/AMP sequence variant interpretation guidelines (Richards et al. 2015 PMID: 25741868, with internal and published modifications).

Labcorp Genetics (formerly Invitae), Labcorp
Classification: Uncertain significance. Last evaluated: 2024-08-01. Review status: criteria provided, single submitter. Criteria: Invitae Variant Classification Sherloc (09022015). Collection method: clinical testing. Allele origin: germline.
Comment: This sequence change replaces valine, which is neutral and non-polar, with isoleucine, which is neutral and non-polar, at codon 635 of the EPS8 protein (p.Val635Ile). This variant is present in population databases (rs145722981, gnomAD 0.2%). This variant has not been reported in the literature in individuals affected with EPS8-related conditions. ClinVar contains an entry for this variant (Variation ID: 1214161). Advanced modeling of protein sequence and biophysical properties (such as structural, functional, and spatial information, amino acid conservation, physicochemical variation, residue mobility, and thermodynamic stability) performed at Invitae indicates that this missense variant is not expected to disrupt EPS8 protein function with a negative predictive value of 80%. In summary, the available evidence is currently insufficient to determine the role of this variant in disease. Therefore, it has been classified as a Variant of Uncertain Significance.

Ambry Genetics
Classification: Uncertain significance for Inborn genetic diseases. Last evaluated: 2022-05-25. Review status: criteria provided, single submitter. Criteria: Ambry Variant Classification Scheme 2023. Collection method: clinical testing. Allele origin: germline.

GeneDx
Classification: Likely benign. Last evaluated: 2021-07-08. Review status: criteria provided, single submitter. Criteria: GeneDx Variant Classification Process June 2021. Collection method: clinical testing. Allele origin: germline. Affected: yes.